The following is an entry in ClinVar:

ClinVar aggregate classification (germline): Conflicting classifications of pathogenicity. Review status: criteria provided, conflicting classifications (1 of 4 stars). 4 submissions from 4 submitters: Likely pathogenic (1); Uncertain significance (2). 1 of the submissions does not count toward it. Last evaluated 2025-02-24.

Conditions:
OBSL1-related disorder. Also called: OBSL1-related condition.
3M syndrome 2. Also called: THREE M SYNDROME 2; 3-M Syndrome, OBSL1-Related. Identifiers: Orphanet 2616, MedGen C2752041, MONDO:0013039, OMIM 612921.

Allele frequency attached by ClinVar (database versions not stated): gnomAD exomes 0.00001; TOPMed 0.00001; gnomAD 0.00002.
gnomAD v4.1: 25 of 1,548,426 alleles (0.0016%); highest among the groups gnomAD compares: East Asian, 0.0073%; no homozygotes.

Submissions (4):

Labcorp Genetics (formerly Invitae), Labcorp
Classification: Uncertain significance. Last evaluated: 2025-02-24. Review status: criteria provided, single submitter. Criteria: Invitae Variant Classification Sherloc (09022015). Collection method: clinical testing. Allele origin: germline.
Comment: This sequence change creates a premature translational stop signal (p.Gln1319*) in the OBSL1 gene. However, it is currently unclear if variants that occur in this region of the gene cause disease. The frequency data for this variant in the population databases is considered unreliable, as metrics indicate poor data quality at this position in the gnomAD database. This premature translational stop signal has been observed in individual(s) with clinical features of 3-M syndrome (PMID: 27959697). ClinVar contains an entry for this variant (Variation ID: 374350). Algorithms developed to predict the effect of sequence changes on RNA splicing suggest that this variant may disrupt the consensus splice site. In summary, the available evidence is currently insufficient to determine the role of this variant in disease. Therefore, it has been classified as a Variant of Uncertain Significance.

Blueprint Genetics
Classification: Likely pathogenic for OBSL1-related disorders. Last evaluated: 2021-09-01. Review status: criteria provided, single submitter. Criteria: ACMG Guidelines, 2015. Collection method: clinical testing. Allele origin: germline. Affected: yes. Observed: 2 variant alleles.

Fulgent Genetics
Classification: Uncertain significance for 3M syndrome 2. Last evaluated: 2021-07-13. Review status: criteria provided, single submitter. Criteria: ACMG Guidelines, 2015. Collection method: clinical testing. Allele origin: unknown.

Baylor Genetics
Classification: Pathogenic for 3M syndrome 2. Last evaluated: 2016-05-01. Review status: no assertion criteria provided. Collection method: clinical testing. Allele origin: paternal, germline. Inheritance: Autosomal recessive inheritance. Affected: yes. Not counted in ClinVar's aggregate classification.

Literature cited by the submitters: PubMed 27959697 (cited by Labcorp Genetics (formerly Invitae), Labcorp).

NM_015311.3(OBSL1):c.3955C>T (p.Gln1319Ter)

Gene: OBSL1 (obscurin like cytoskeletal adaptor 1; minus strand). Cytogenetic location: 2q35.
Variant type: single nucleotide variant.
Coding change: c.3955C>T on transcript NM_015311.3 (MANE Select); coding-DNA position 3955, C replaced by T.
Protein change: p.Gln1319Ter; replaces glutamine 1319 with a stop codon.
Molecular consequence: nonsense.
Genome position (GRCh38, 1-based): chr2:219,557,454, G>A on the plus strand (C>T on the coding strand, the complement: OBSL1 is on the minus strand). VCF-style: chr2-219557454-G-A. GRCh37 (hg19) VCF-style: chr2-220422176-G-A.
Other names: c.3955C>T, p.Gln1319Ter (NM_001173431.2); short protein forms Q1319*.
Identifiers: ClinVar variation 374350 (VCV000374350.9), dbSNP rs1057518717, ClinGen allele CA16043654.